The following is an entry in ClinVar:

NM_001127222.2(CACNA1A):c.5342del (p.Cys1781fs)

Gene: CACNA1A (calcium voltage-gated channel subunit alpha1 A; minus strand). Cytogenetic location: 19p13.13.
Variant type: Deletion.
Coding change: c.5342del on transcript NM_001127222.2 (MANE Select); coding-DNA position 5342, one base deleted (G; older notation c.5342delG).
Protein change: p.Cys1781fs; shifts the reading frame from cysteine 1781.
Molecular consequence: frameshift variant.
Genome position (GRCh38, 1-based): chr19:13,231,768, C deleted on the plus strand (G on the coding strand, the reverse complement: CACNA1A is on the minus strand). VCF-style (leftmost placement, unchanged base first): chr19-13231767-AC-A. GRCh37 (hg19) VCF-style: chr19-13342581-AC-A.
Other names: c.5360del, p.Cys1787fs (NM_000068.4, NM_023035.3); c.5345del, p.Cys1782fs (NM_001127221.2); c.5351del, p.Cys1784fs (NM_001174080.2); c.5345delG (NM_001127221.1); short protein forms C1787fs, C1784fs, C1781fs, C1782fs.
Identifiers: ClinVar variation 817192 (VCV000817192.1), dbSNP rs1600130724, ClinGen allele CA915952917.

ClinVar aggregate classification (germline): Pathogenic (1 of 4 stars; one submission).

Submission:

GeneDx
Classification: Pathogenic. Last evaluated: 2018-08-31. Review status: criteria provided, single submitter. Criteria: GeneDx Variant Classification (06012015). Collection method: clinical testing. Allele origin: germline. Affected: yes.
Comment: The c.5345delG pathogenic variant in the CACNA1A gene causes a frameshift starting with codon Cysteine 1782, changes this amino acid to a Leucine residue and creates a premature Stop codon at position 20 of the new reading frame, denoted p.Cys1782LeufsX20. This pathogenic variant is predicted to cause loss of normal protein function either through protein truncation or nonsense-mediated mRNA decay. The c.5345delG variant is not observed in large population cohorts (Lek et al., 2016).